The following is an entry in ClinVar:

ClinVar aggregate classification (germline): Pathogenic/Likely pathogenic. Review status: criteria provided, multiple submitters, no conflicts (2 of 4 stars). 4 submissions from 4 submitters: Pathogenic (1); Likely pathogenic (3). Last evaluated 2026-08-07.

Conditions:
Cardiovascular phenotype. Identifiers: MedGen CN230736.
Hypertrophic cardiomyopathy. Also called: HYPERTROPHIC MYOCARDIOPATHY. Identifiers: Orphanet 217569, MedGen C0007194, MeSH D002312, MONDO:0005045, HP:0001639.

Allele frequency attached by ClinVar (database versions not stated): gnomAD 0.00001; 1000 Genomes Project 30x 0.00016; gnomAD exomes below 0.00001; ExAC 0.00001.
gnomAD v4.1: 2 of 1,610,466 alleles (0.00012%); highest among the groups gnomAD compares: Non-Finnish European, 0.000085%; no homozygotes.

Submissions (4):

GeneDx
Classification: Pathogenic. Last evaluated: 2026-08-07. Review status: criteria provided, single submitter. Criteria: GeneDx Variant Classification Process June 2021. Collection method: clinical testing. Allele origin: germline.
Comment: In vitro studies have shown that c.655 G>T results in the skipping of exon 6, which is expected to lead to either an abnormal message that is subject to nonsense-mediated mRNA decay, or to an abnormal protein product if the message is used for protein translation (Crehalet H et al. Combined use of in silico and in vitro splicing assays for interpretation of genomic variants of unknown significance in cardiomyopathies and channelopathies. Cardiogenetics. 2012 2(e6):26-31); Not observed at significant frequency in large population cohorts (gnomAD); In silico analysis supports that this missense variant has a deleterious effect on protein structure/function; This variant is associated with the following publications: (PMID: 7446532, 28265379, 28679633, 26914223, 35838873, 31589614, 34097875, 28771489, 33954932, 34461741, 20624503, Crehalet_2012_Cardiogenetics)

Ambry Genetics
Classification: Likely pathogenic for Cardiovascular phenotype. Last evaluated: 2025-05-13. Review status: criteria provided, single submitter. Criteria: Ambry Variant Classification Scheme 2023. Collection method: clinical testing. Allele origin: germline.
Comment: The c.655G>T variant (also known as p.V219F) is located in coding exon 6 of the MYBPC3 gene. The valine at codon 219 is replaced by phenylalanine, an amino acid with highly similar properties. This change occurs in the first base pair of coding exon 6. This variant was reported in individual(s) with features consistent with hypertrophic cardiomyopathy (HCM) (Millat G et al. Eur J Med Genet. 2010;53:261-7; Crehalet H et al. Cardiogenetics. 2012;2:e6; Murphy SL et al. J Cardiovasc Transl Res. 2016;9:153-61). In an in vitro minigene assay, this alteration caused complete skipping of exon 6, which is expected to lead to a frameshift and introduce an alternate stop (p.V219Rfs*42) (Crehalet H et al. Cardiogenetics. 2012;2:e6; Ito K et al. Proc. Natl. Acad. Sci. U.S.A., 2017 07;114:7689-7694). Another variant impacting the same nucleotide (c.655G>C), also reported to cause skipping of exon 6, has also been associated with HCM (Van Driest SL et al. J. Am. Coll. Cardiol. 2004;44:1903-10; Crehalet H et al. Cardiogenetics. 2012;2:e6; Lopes LR et al. J. Med. Genet. 2013;50:228-39; Kapplinger JD et al. J Cardiovasc Transl Res. 2014;7:347-61; Ito K et al. Proc. Natl. Acad. Sci. U.S.A., 2017 07;114:7689-7694; Walsh R et al. Genet. Med. 2017;19:192-203). Based on the majority of available evidence to date, this variant is likely to be pathogenic.

Labcorp Genetics (formerly Invitae), Labcorp
Classification: Likely pathogenic for Hypertrophic cardiomyopathy. Last evaluated: 2025-01-29. Review status: criteria provided, single submitter. Criteria: Invitae Variant Classification Sherloc (09022015). Collection method: clinical testing. Allele origin: germline.
Comment: This sequence change replaces valine, which is neutral and non-polar, with phenylalanine, which is neutral and non-polar, at codon 219 of the MYBPC3 protein (p.Val219Phe). The frequency data for this variant in the population databases is considered unreliable, as metrics indicate poor data quality at this position in the gnomAD database. This missense change has been observed in individuals with hypertrophic cardiomyopathy (PMID: 20624503, 26914223, 35838873; internal data). ClinVar contains an entry for this variant (Variation ID: 188531). An algorithm developed to predict the effect of missense changes on protein structure and function (PolyPhen-2) suggests that this variant is likely to be disruptive. Studies have shown that this missense change alters mRNA splicing and is expected to lead to the loss of protein expression (Crehalet et al. 2012. Cardiogenetics; DOI 10.4081/cardiogenetics.2012.e6). This variant disrupts the c.655G nucleotide in the MYBPC3 gene. Other variant(s) that disrupt this nucleotide have been determined to be pathogenic (PMID: 15519027, 20031602, 20031618, 20624503, 26914223). This suggests that this nucleotide is clinically significant, and that variants that disrupt this position are likely to be disease-causing. In summary, the currently available evidence indicates that the variant is pathogenic, but additional data are needed to prove that conclusively. Therefore, this variant has been classified as Likely Pathogenic.

Laboratory for Molecular Medicine, Mass General Brigham Personalized Medicine
Classification: Likely pathogenic for Hypertrophic cardiomyopathy. Last evaluated: 2013-11-19. Review status: criteria provided, single submitter. Criteria: ACMG Guidelines, 2015. Collection method: clinical testing. Allele origin: germline. Inheritance: Autosomal dominant inheritance.
Comment: The Val219Phe variant in MYBPC3 has been reported in two adults with HCM (Millat 2010, Crehalet 2012) and was absent in large population studies. This variant is located in the first base of the exon, which is part of the 3’ splice region. In vitro studies showed that this variant results in skipping of exon 6 (Crehalet 2012), which is predicted to cause a frameshift and a premature termination codon, leading to a truncated or absent protein. Heterozygous loss-of-function of the MYBPC3 gene is an established disease mechanism in HCM. In summary, this variant is likely to be pathogenic, though additional studies are required to fully establish its clinical significance.

Literature cited by the submitters: PubMed 20624503 (cited by 3 submitters); PubMed 26914223 (cited by Ambry Genetics and Labcorp Genetics (formerly Invitae), Labcorp); PubMed 28679633 (cited by Ambry Genetics); PubMed 28771489 (cited by Ambry Genetics); PubMed 33954932 (cited by Ambry Genetics); PubMed 35838873 (cited by Ambry Genetics and Labcorp Genetics (formerly Invitae), Labcorp); PubMed 15519027 (cited by Labcorp Genetics (formerly Invitae), Labcorp); PubMed 20031602 (cited by Labcorp Genetics (formerly Invitae), Labcorp); PubMed 20031618 (cited by Labcorp Genetics (formerly Invitae), Labcorp).

NM_000256.3(MYBPC3):c.655G>T (p.Val219Phe)

Gene: MYBPC3 (myosin binding protein C3; minus strand). Cytogenetic location: 11p11.2.
Variant type: single nucleotide variant.
Coding change: c.655G>T on transcript NM_000256.3 (MANE Select); coding-DNA position 655, G replaced by T.
Protein change: p.Val219Phe; replaces valine 219 with phenylalanine.
Molecular consequence: missense variant.
Genome position (GRCh38, 1-based): chr11:47,348,541, C>A on the plus strand (G>T on the coding strand, the complement: MYBPC3 is on the minus strand). VCF-style: chr11-47348541-C-A. GRCh37 (hg19) VCF-style: chr11-47370092-C-A.
Other names: short protein forms V219F.
Identifiers: ClinVar variation 188531 (VCV000188531.16), dbSNP rs397516068, ClinGen allele CA015676.